The following is an entry in ClinVar:

NM_198834.3(ACACA):c.373G>A (p.Gly125Ser)

Gene: ACACA (acetyl-CoA carboxylase alpha; minus strand). Cytogenetic location: 17q12.
Variant type: single nucleotide variant.
Coding change: c.373G>A on transcript NM_198834.3 (MANE Select); coding-DNA position 373, G replaced by A.
Protein change: p.Gly125Ser; replaces glycine 125 with serine.
Molecular consequence: missense variant.
Genome position (GRCh38, 1-based): chr17:37,284,936, C>T on the plus strand (G>A on the coding strand, the complement: ACACA is on the minus strand). VCF-style: chr17-37284936-C-T. GRCh37 (hg19) VCF-style: chr17-35641837-C-T.
Other names: c.262G>A, p.Gly88Ser (NM_198836.3, NM_198839.3); c.88G>A, p.Gly30Ser (NM_198837.2); c.28G>A, p.Gly10Ser (NM_198838.2); short protein forms G125S, G30S, G88S, G10S.
Identifiers: ClinVar variation 1379079 (VCV001379079.6), dbSNP rs778310964, ClinGen allele CA8516018.

ClinVar aggregate classification (germline): Uncertain significance (1 of 4 stars; one submission).

Allele frequency attached by ClinVar (database versions not stated): gnomAD exomes below 0.00001; ExAC 0.00001.
gnomAD v4.1: 4 of 1,614,092 alleles (0.00025%); highest among the groups gnomAD compares: Non-Finnish European, 0.00034%; no homozygotes.

Submission:

Labcorp Genetics (formerly Invitae), Labcorp
Classification: Uncertain significance. Last evaluated: 2022-06-27. Review status: criteria provided, single submitter. Criteria: Invitae Variant Classification Sherloc (09022015). Collection method: clinical testing. Allele origin: germline.
Comment: In summary, the available evidence is currently insufficient to determine the role of this variant in disease. Therefore, it has been classified as a Variant of Uncertain Significance. Algorithms developed to predict the effect of missense changes on protein structure and function (SIFT, PolyPhen-2, Align-GVGD) all suggest that this variant is likely to be tolerated. This sequence change replaces glycine, which is neutral and non-polar, with serine, which is neutral and polar, at codon 88 of the ACACA protein (p.Gly88Ser). This variant is present in population databases (rs778310964, gnomAD 0.0009%). This variant has not been reported in the literature in individuals affected with ACACA-related conditions.